The following is an entry in ClinVar:

ClinVar aggregate classification (germline): Uncertain significance (1 of 4 stars; one submission).

Submission:

Labcorp Genetics (formerly Invitae), Labcorp
Classification: Uncertain significance. Last evaluated: 2022-02-23. Review status: criteria provided, single submitter. Criteria: Invitae Variant Classification Sherloc (09022015). Collection method: clinical testing. Allele origin: germline.
Comment: In summary, the available evidence is currently insufficient to determine the role of this variant in disease. Therefore, it has been classified as a Variant of Uncertain Significance. Algorithms developed to predict the effect of missense changes on protein structure and function are either unavailable or do not agree on the potential impact of this missense change (SIFT: "Not Available"; PolyPhen-2: "Benign"; Align-GVGD: "Not Available"). This variant has not been reported in the literature in individuals affected with CDH3-related conditions. This variant is not present in population databases (gnomAD no frequency). This sequence change replaces histidine, which is basic and polar, with glutamine, which is neutral and polar, at codon 211 of the CDH3 protein (p.His211Gln).

NM_001793.6(CDH3):c.633C>G (p.His211Gln)

Gene: CDH3 (cadherin 3; plus strand). Cytogenetic location: 16q22.1.
Variant type: single nucleotide variant.
Coding change: c.633C>G on transcript NM_001793.6 (MANE Select); coding-DNA position 633, C replaced by G.
Protein change: p.His211Gln; replaces histidine 211 with glutamine.
Molecular consequence: missense variant.
Genome position (GRCh38, 1-based): chr16:68,678,848, C>G. VCF-style: chr16-68678848-C-G. GRCh37 (hg19) VCF-style: chr16-68712751-C-G.
Other names: c.633C>G, p.His211Gln (NM_001317195.3); c.468C>G, p.His156Gln (NM_001317196.2); short protein forms H156Q, H211Q.
Identifiers: ClinVar variation 1961606 (VCV001961606.5), dbSNP rs2543730351, ClinGen allele CA396449616.